The following is an entry in ClinVar:

ClinVar aggregate classification (germline): Likely benign (1 of 4 stars; one submission).

gnomAD v4.1: 1 of 1,612,038 alleles (0.000062%); highest among the groups gnomAD compares: Non-Finnish European, 0.000085%; no homozygotes.

Submission:

CeGaT Center for Human Genetics Tuebingen
Classification: Likely benign. Last evaluated: 2025-05-01. Review status: criteria provided, single submitter. Criteria: CeGaT Center For Human Genetics Tuebingen Variant Classification Criteria Version 2. Collection method: clinical testing. Allele origin: germline. Affected: yes. Observed: 1 variant allele.
Comment: CHD7: BP4, BP7

NM_017780.4(CHD7):c.7887A>G (p.Arg2629=)

Gene: CHD7 (chromodomain helicase DNA binding protein 7; plus strand). Cytogenetic location: 8q12.2.
Variant type: single nucleotide variant.
Coding change: c.7887A>G on transcript NM_017780.4 (MANE Select); coding-DNA position 7887, A replaced by G.
Protein change: p.Arg2629=; no amino-acid change (arginine 2629 retained).
Molecular consequence: synonymous variant.
Genome position (GRCh38, 1-based): chr8:60,862,252, A>G. VCF-style: chr8-60862252-A-G. GRCh37 (hg19) VCF-style: chr8-61774811-A-G.
Other names: c.1740A>G, p.Arg580= (NM_001316690.1).
Identifiers: ClinVar variation 3905650 (VCV003905650.10).